The following is an entry in ClinVar:

ClinVar aggregate classification (germline): Uncertain significance (1 of 4 stars; one submission).

Conditions:
Hereditary cancer-predisposing syndrome. Also called: Neoplastic Syndromes, Hereditary; Tumor predisposition; Hereditary Cancer Syndrome; Hereditary neoplastic syndrome. Identifiers: Orphanet 140162, MedGen C0027672, MeSH D009386, MONDO:0015356.

gnomAD v4.1: 5 of 1,613,932 alleles (0.00031%); highest among the groups gnomAD compares: Non-Finnish European, 0.00042%; no homozygotes.

Submission:

Ambry Genetics
Classification: Uncertain significance for Hereditary cancer-predisposing syndrome. Last evaluated: 2025-11-15. Review status: criteria provided, single submitter. Criteria: Ambry Variant Classification Scheme 2023. Collection method: clinical testing. Allele origin: germline.
Comment: The p.A36T variant (also known as c.106G>A), located in coding exon 2 of the SDHB gene, results from a G to A substitution at nucleotide position 106. The alanine at codon 36 is replaced by threonine, an amino acid with similar properties. This amino acid position is conserved. In addition, the in silico prediction for this alteration is inconclusive. Since supporting evidence is limited at this time, the clinical significance of this alteration remains unclear.

NM_003000.3(SDHB):c.106G>A (p.Ala36Thr)

Gene: SDHB (succinate dehydrogenase complex iron sulfur subunit B; minus strand). Cytogenetic location: 1p36.13.
Variant type: single nucleotide variant.
Coding change: c.106G>A on transcript NM_003000.3 (MANE Select); coding-DNA position 106, G replaced by A.
Protein change: p.Ala36Thr; replaces alanine 36 with threonine.
Molecular consequence: missense variant.
Genome position (GRCh38, 1-based): chr1:17,044,855, C>T on the plus strand (G>A on the coding strand, the complement: SDHB is on the minus strand). VCF-style: chr1-17044855-C-T. GRCh37 (hg19) VCF-style: chr1-17371350-C-T.
Other names: c.106G>A, p.Ala36Thr (NM_001407361.1); short protein forms A36T.
Identifiers: ClinVar variation 1783001 (VCV001783001.3), dbSNP rs1204932232, ClinGen allele CA338228306.